The following is an entry in ClinVar:

ClinVar aggregate classification (germline): Uncertain significance (1 of 4 stars; one submission).

Submission:

Ambry Genetics
Classification: Uncertain significance. Last evaluated: 2025-06-08. Review status: criteria provided, single submitter. Criteria: Ambry Variant Classification Scheme 2023. Collection method: clinical testing. Allele origin: germline.
Comment: The p.D39G variant (also known as c.116A>G) is located in coding exon 2 of the GFI1 gene. The aspartic acid at codon 39 is replaced by glycine, an amino acid with similar properties. This change occurs in the first base pair of coding exon 2. This amino acid position is conserved. In addition, this alteration is predicted to be tolerated by in silico analysis. Based on the available evidence, the clinical significance of this variant remains unclear.

NM_005263.5(GFI1):c.116A>G (p.Asp39Gly)

Gene: GFI1 (growth factor independent 1 transcriptional repressor; minus strand). Cytogenetic location: 1p22.1.
Variant type: single nucleotide variant.
Coding change: c.116A>G on transcript NM_005263.5 (MANE Select); coding-DNA position 116, A replaced by G.
Protein change: p.Asp39Gly; replaces aspartic acid 39 with glycine.
Molecular consequence: missense variant.
Genome position (GRCh38, 1-based): chr1:92,483,046, T>C on the plus strand (A>G on the coding strand, the complement: GFI1 is on the minus strand). VCF-style: chr1-92483046-T-C. GRCh37 (hg19) VCF-style: chr1-92948603-T-C.
Other names: c.116A>G, p.Asp39Gly (NM_001127215.3, NM_001127216.3); short protein forms D39G.
Identifiers: ClinVar variation 4029450 (VCV004029450.1).
Genomic context (GRCh38, chr1:92,483,046, plus strand): 5'-GATTCGGGGGACAAACGGTCCCGGGGCTCCGCCTTCGCCCCGCCTGCATTTGAAGTGCTG[T>C]CTGCAAAGAGGAGGCAGGTGAGGGGCTCAGGCTGGGACCGGTTGAGTCTGAGGGTGCTGA-3'
Protein context (NP_005254.2, residues 29-49): LENVPAPSRA[Asp39Gly]STSNAGGAKA